The following is an entry in ClinVar:

ClinVar aggregate classification (germline): Likely benign (1 of 4 stars; one submission).

Allele frequency attached by ClinVar (database versions not stated): 1000 Genomes Project 30x 0.00984; 1000 Genomes Project 0.01018; TOPMed 0.01810; gnomAD 0.02060 and 0.02128.
gnomAD v4.1: 3,170 of 152,302 alleles (2.1%); highest among the groups gnomAD compares: Middle Eastern, 4.4%; 51 homozygotes.

Submission:

GeneDx
Classification: Likely benign. Last evaluated: 2018-06-16. Review status: criteria provided, single submitter. Criteria: GeneDx Variant Classification (06012015). Collection method: clinical testing. Allele origin: germline. Affected: yes.
Comment: This variant is considered likely benign or benign based on one or more of the following criteria: it is a conservative change, it occurs at a poorly conserved position in the protein, it is predicted to be benign by multiple in silico algorithms, and/or has population frequency not consistent with disease.

NM_000256.3(MYBPC3):c.772+215G>C

Gene: MYBPC3 (myosin binding protein C3; minus strand). Cytogenetic location: 11p11.2.
Variant type: single nucleotide variant.
Coding change: c.772+215G>C on transcript NM_000256.3 (MANE Select); 215 bases into the intron after coding-DNA position 772, G replaced by C.
Molecular consequence: intron variant.
Genome position (GRCh38, 1-based): chr11:47,348,209, C>G on the plus strand (G>C on the coding strand, the complement: MYBPC3 is on the minus strand). VCF-style: chr11-47348209-C-G. GRCh37 (hg19) VCF-style: chr11-47369760-C-G.
Identifiers: ClinVar variation 674499 (VCV000674499.1), dbSNP rs11570057, ClinGen allele CA16417277.